The following is an entry in ClinVar:

ClinVar aggregate classification (germline): Conflicting classifications of pathogenicity. Review status: criteria provided, conflicting classifications (1 of 4 stars). 8 submissions from 8 submitters: Likely pathogenic (7); Uncertain significance (1). Last evaluated 2025-10-14.

Conditions:
Pyruvate dehydrogenase E3 deficiency (DLDD). Also called: Dihydrolipoamide Dehydrogenase E3 Deficiency; Lipoamide dehydrogenase deficiency, lactic acidosis due to; DLD DEFICIENCY; E3 DEFICIENCY; Dihydrolipoamide Dehydrogenase (E3) Deficiency; Dihydrolipoamide Dehydrogenase Deficiency. Identifiers: Orphanet 2394, Orphanet 765, MedGen C5574660, MONDO:0009529, OMIM 246900.

Allele frequency attached by ClinVar (database versions not stated): gnomAD exomes 0.00002 and 0.00004; TOPMed 0.00002; gnomAD 0.00003 and 0.00004; ExAC 0.00006.
gnomAD v4.1: 41 of 1,613,726 alleles (0.0025%); highest among the groups gnomAD compares: Middle Eastern, 0.049%; no homozygotes.

Submissions (8):

Natera, Inc.
Classification: Likely pathogenic for Maple syrup urine disease type 3. Last evaluated: 2025-10-14. Review status: criteria provided, single submitter. Criteria: Natera Variant Classification Schema (03/2026). Collection method: clinical testing. Allele origin: germline.
Comment: The c.1382G>A variant in DLD is a missense variant predicted to cause substitution of glycine to glutamic acid at amino acid 461. This variant is rare in the general population with a frequency below the threshold expected for the associated phenotype(s). This variant has been observed in one or more individuals affected with the associated recessive disease, as either homozygous or compound heterozygous with a second variant (PMID: 25251739). Functional studies show that this variant may disrupt protein function (PMID: 37446004). Computational prediction algorithms indicate this variant is likely to affect gene or protein function. Given the available evidence, this variant is classified as Likely Pathogenic.

Labcorp Genetics (formerly Invitae), Labcorp
Classification: Likely pathogenic for Pyruvate dehydrogenase E3 deficiency. Last evaluated: 2025-10-13. Review status: criteria provided, single submitter. Criteria: Invitae Variant Classification Sherloc (09022015). Collection method: clinical testing. Allele origin: germline.
Comment: This sequence change replaces glycine, which is neutral and non-polar, with glutamic acid, which is acidic and polar, at codon 461 of the DLD protein (p.Gly461Glu). This variant is present in population databases (rs757275923, gnomAD 0.02%). This missense change has been observed in individual(s) with DLD deficiency (PMID: 25251739). In at least one individual the data is consistent with being in trans (on the opposite chromosome) from a pathogenic variant. This variant is also known as p.G426E. ClinVar contains an entry for this variant (Variation ID: 203685). Invitae Evidence Modeling of protein sequence and biophysical properties (such as structural, functional, and spatial information, amino acid conservation, physicochemical variation, residue mobility, and thermodynamic stability) indicates that this missense variant is expected to disrupt DLD protein function with a positive predictive value of 95%. Experimental studies have shown that this missense change affects DLD function (PMID: 37446004). In summary, the currently available evidence indicates that the variant is pathogenic, but additional data are needed to prove that conclusively. Therefore, this variant has been classified as Likely Pathogenic.

Revvity Omics, Revvity
Classification: Likely pathogenic for Pyruvate dehydrogenase E3 deficiency. Last evaluated: 2025-05-29. Review status: criteria provided, single submitter. Criteria: ACMG Guidelines, 2015. Collection method: clinical testing. Allele origin: germline.

Fulgent Genetics
Classification: Likely pathogenic for Pyruvate dehydrogenase E3 deficiency. Last evaluated: 2024-05-08. Review status: criteria provided, single submitter. Criteria: ACMG Guidelines, 2015. Collection method: clinical testing. Allele origin: germline.

Baylor Genetics
Classification: Likely pathogenic for Pyruvate dehydrogenase E3 deficiency. Last evaluated: 2024-03-26. Review status: criteria provided, single submitter. Criteria: ACMG Guidelines, 2015. Collection method: clinical testing. Allele origin: unknown.

Mayo Clinic Laboratories, Mayo Clinic
Classification: Likely pathogenic. Last evaluated: 2023-04-28. Review status: criteria provided, single submitter. Criteria: ACMG Guidelines, 2015. Collection method: clinical testing. Allele origin: germline. Observed: 1 variant allele.
Comment: PP3, PP4, PM2, PM3

Women's Health and Genetics/Laboratory Corporation of America, LabCorp
Classification: Likely pathogenic for Pyruvate dehydrogenase E3 deficiency. Last evaluated: 2022-10-21. Review status: criteria provided, single submitter. Criteria: LabCorp Variant Classification Summary - May 2015. Collection method: clinical testing. Allele origin: germline.
Comment: Variant summary: DLD c.1382G>A (p.Gly461Glu) results in a non-conservative amino acid change located in the Pyridine nucleotide-disulphide oxidoreductase, dimerisation domain (IPR004099) of the encoded protein sequence (Szabo_2019). Five of five in-silico tools predict a damaging effect of the variant on protein function. The variant allele was found at a frequency of 4.4e-05 in 251238 control chromosomes. This frequency is not significantly higher than estimated for a pathogenic variant in DLD causing Dihydrolipoamide Dehydrogenase Deficiency (MSUD Type 3) (4.4e-05 vs 0.005), allowing no conclusion about variant significance. c.1382G>A has been reported in the literature as a biallelic compound heterozygous genotype in at-least one individual affected with features of Dihydrolipoamide Dehydrogenase Deficiency (example, Carrozzo_2014). These data do not allow any conclusion about variant significance. To our knowledge, no variant specific experimental evidence demonstrating an impact on protein function has been reported. Two clinical diagnostic laboratories have submitted clinical-significance assessments for this variant to ClinVar after 2014 without evidence for independent evaluation. All laboratories classified the variant as uncertain significance. Based on the evidence outlined above, the variant was classified as likely pathogenic.

GeneDx
Classification: Uncertain significance. Last evaluated: 2017-05-16. Review status: criteria provided, single submitter. Criteria: GeneDx Variant Classification (06012015). Collection method: clinical testing. Allele origin: germline. Affected: yes.
Comment: A G461E missense change has not been published as a pathogenic variant, nor has it been reported as a benign polymorphism to our knowledge. G461E is a non-conservative amino acid substitution as a small, uncharged Glycine residue is replaced with a large, negatively charged Glutamic acid residue. The variant occurs in the pyridine nucleotide-disulphide oxidoreductase dimerisation domain of the DLD protein at a position that is highly conserved across species. Multiple in silico algorithms predict that G461E is damaging to the structure/function of the DLD protein. Therefore, based on the currently available information, it is unclear whether this variant is a pathogenic variant or a rare benign variant.

Literature cited by the submitters: PubMed 25251739 (cited by 4 submitters); PubMed 37446004 (cited by Natera, Inc. and Labcorp Genetics (formerly Invitae), Labcorp); PubMed 31334547 (cited by Mayo Clinic Laboratories, Mayo Clinic and Women's Health and Genetics/Laboratory Corporation of America, LabCorp); PubMed 34426522 (cited by Mayo Clinic Laboratories, Mayo Clinic); PubMed 34684524 (cited by Mayo Clinic Laboratories, Mayo Clinic).

NM_000108.5(DLD):c.1382G>A (p.Gly461Glu)

Gene: DLD (dihydrolipoamide dehydrogenase; plus strand). Cytogenetic location: 7q31.1.
Variant type: single nucleotide variant.
Coding change: c.1382G>A on transcript NM_000108.5 (MANE Select); coding-DNA position 1382, G replaced by A.
Protein change: p.Gly461Glu; replaces glycine 461 with glutamic acid.
Molecular consequence: missense variant.
Genome position (GRCh38, 1-based): chr7:107,919,017, G>A. VCF-style: chr7-107919017-G-A. GRCh37 (hg19) VCF-style: chr7-107559462-G-A.
Other names: p.G461E:GGA>GAA; p.Gly461Glu; c.1085G>A, p.Gly362Glu (NM_001289750.1); c.1313G>A, p.Gly438Glu (NM_001289751.1); c.1238G>A, p.Gly413Glu (NM_001289752.1); c.1382G>A (NM_000108.4); short protein forms G461E, G413E, G362E, G438E.
Identifiers: ClinVar variation 203685 (VCV000203685.12), dbSNP rs757275923, ClinGen allele CA312474.